The following is an entry in ClinVar:

ClinVar aggregate classification (germline): Uncertain significance (1 of 4 stars; one submission).

Conditions:
Melanoma, cutaneous malignant, susceptibility to, 5. Also called: Cutaneous malignant melanoma 5. Identifiers: Orphanet 618, MedGen C2751295, MONDO:0013133, OMIM 613099.

Submission:

Labcorp Genetics (formerly Invitae), Labcorp
Classification: Uncertain significance for Melanoma, cutaneous malignant, susceptibility to, 5. Last evaluated: 2025-05-15. Review status: criteria provided, single submitter. Criteria: Invitae Variant Classification Sherloc (09022015). Collection method: clinical testing. Allele origin: germline.
Comment: This sequence change replaces alanine, which is neutral and non-polar, with glycine, which is neutral and non-polar, at codon 2 of the MC1R protein (p.Ala2Gly). This variant is not present in population databases (gnomAD no frequency). This variant has not been reported in the literature in individuals affected with MC1R-related conditions. An algorithm developed to predict the effect of missense changes on protein structure and function (PolyPhen-2) suggests that this variant is likely to be tolerated. In summary, the available evidence is currently insufficient to determine the role of this variant in disease. Therefore, it has been classified as a Variant of Uncertain Significance.

NM_002386.4(MC1R):c.5C>G (p.Ala2Gly)

Gene: MC1R (melanocortin 1 receptor; plus strand). Cytogenetic location: 16q24.3.
Variant type: single nucleotide variant.
Coding change: c.5C>G on transcript NM_002386.4 (MANE Select); coding-DNA position 5, C replaced by G.
Protein change: p.Ala2Gly; replaces alanine 2 with glycine.
Molecular consequence: missense variant.
Genome position (GRCh38, 1-based): chr16:89,919,263, C>G. VCF-style: chr16-89919263-C-G. GRCh37 (hg19) VCF-style: chr16-89985671-C-G.
Other names: short protein forms A2G.
Identifiers: ClinVar variation 4781433 (VCV004781433.1).
Genomic context (GRCh38, chr16:89,919,263, plus strand): 5'-GAACTGTGGGGACCTGGAGGCCTCCAACGACTCCTTCCTGCTTCCTGGACAGGACTATGG[C>G]TGTGCAGGGATCCCAGAGAAGACTTCTGGGCTCCCTCAACTCCACCCCCACAGCCATCCC-3'
Protein context (NP_002377.4, residues 1-12): M[Ala2Gly]VQGSQRRLLG